The following is an entry in ClinVar:

NM_000601.6(HGF):c.400C>T (p.Arg134Cys)

Gene: HGF (hepatocyte growth factor; minus strand). Cytogenetic location: 7q21.11.
Variant type: single nucleotide variant.
Coding change: c.400C>T on transcript NM_000601.6 (MANE Select); coding-DNA position 400, C replaced by T.
Protein change: p.Arg134Cys; replaces arginine 134 with cysteine.
Molecular consequence: missense variant.
Genome position (GRCh38, 1-based): chr7:81,757,271, G>A on the plus strand (C>T on the coding strand, the complement: HGF is on the minus strand). VCF-style: chr7-81757271-G-A. GRCh37 (hg19) VCF-style: chr7-81386587-G-A.
Other names: c.400C>T, p.Arg134Cys (NM_001010931.3, NM_001010932.3, NM_001010933.3 and 1 more transcripts); short protein forms R134C.
Identifiers: ClinVar variation 3253442 (VCV003253442.1), dbSNP rs1032300573.
Genomic context (GRCh38, chr7:81,757,271, plus strand): 5'-AACTCCAGGGCTGACATTTGATGCCACTCTTAGTGATAGATACTGTTCCCTTGTAGCTGC[G>A]TCCTTTACCAATGATGCAGTTTCTAATGTAGTCTATTGAAGAAAGTAGATAAAATTATTG-3'
Protein context (NP_000592.3, residues 124-144): YIRNCIIGKG[Arg134Cys]SYKGTVSITK

ClinVar aggregate classification (germline): Uncertain significance (1 of 4 stars; one submission).

Allele frequency attached by ClinVar (database versions not stated): gnomAD 0.00001; TOPMed 0.00001.

Submission:

GeneDx
Classification: Uncertain significance. Last evaluated: 2023-12-04. Review status: criteria provided, single submitter. Criteria: GeneDx Variant Classification Process June 2021. Collection method: clinical testing. Allele origin: germline. Affected: yes.
Comment: Not observed at significant frequency in large population cohorts (gnomAD); In silico analysis supports that this missense variant does not alter protein structure/function; Has not been previously published as pathogenic or benign to our knowledge